The following is an entry in ClinVar:

ClinVar aggregate classification (germline): Uncertain significance (1 of 4 stars; one submission).

Conditions:
Possible mitochondrial disorder - nuclear genes.

Submission:

Genetics Laboratory, Great Ormond Street Hospital NHS Foundation Trust, North Thames Genomic Laboratory Hub
Classification: Uncertain significance for Possible mitochondrial disorder - nuclear genes. Last evaluated: 2025-10-22. Review status: criteria provided, single submitter. Criteria: ACGS Best Practice Guidelines for Variant Classification in Rare Disease 2024 v1.2. Collection method: clinical testing. Allele origin: germline. Affected: yes.
Comment: PM2_moderate, PVS1_moderate

NM_001005361.3(DNM2):c.1557+1G>C

Gene: DNM2 (dynamin 2; plus strand). Cytogenetic location: 19p13.2.
Variant type: single nucleotide variant.
Coding change: c.1557+1G>C on transcript NM_001005361.3 (MANE Select); the canonical splice donor site of the intron after coding-DNA position 1557, G replaced by C.
Molecular consequence: splice donor variant. On other transcripts: intron variant (2).
Genome position (GRCh38, 1-based): chr19:10,808,581, G>C. VCF-style: chr19-10808581-G-C. GRCh37 (hg19) VCF-style: chr19-10919257-G-C.
Other names: c.1557+1G>C (NM_001005360.3, NM_001190716.2); c.1545+2614G>C (NM_004945.4, NM_001005362.3).
Identifiers: ClinVar variation 4538526 (VCV004538526.1).